The following is an entry in ClinVar:

ClinVar aggregate classification (germline): Uncertain significance. Review status: criteria provided, multiple submitters, no conflicts (2 of 4 stars). 3 submissions from 3 submitters: Uncertain significance (3). Last evaluated 2026-08-11.

Conditions:
Inborn genetic diseases. Identifiers: MedGen C0950123, MeSH D030342.

gnomAD v4.1: 3 of 1,614,148 alleles (0.00019%); highest among the groups gnomAD compares: Non-Finnish European, 0.00025%; no homozygotes.

Submissions (3):

GeneDx
Classification: Uncertain significance. Last evaluated: 2026-08-11. Review status: criteria provided, single submitter. Criteria: GeneDx Variant Classification Process June 2021. Collection method: clinical testing. Allele origin: germline.
Comment: Not observed at significant frequency in large population cohorts (gnomAD); In silico analysis supports that this missense variant has a deleterious effect on protein structure/function; Has not been previously published as pathogenic or benign to our knowledge

Ambry Genetics
Classification: Uncertain significance for Inborn genetic diseases. Last evaluated: 2025-11-13. Review status: criteria provided, single submitter. Criteria: Ambry Variant Classification Scheme 2023. Collection method: clinical testing. Allele origin: germline.
Comment: The c.151G>C (p.G51R) alteration is located in exon 3 (coding exon 3) of the COL9A2 gene. This alteration results from a G to C substitution at nucleotide position 151, causing the glycine (G) at amino acid position 51 to be replaced by an arginine (R). Based on data from gnomAD, the C allele has an overall frequency of <0.001% (1/251452) total alleles studied. The highest observed frequency was 0.001% (1/113732) of European (non-Finnish) alleles. Based on insufficient or conflicting evidence, the clinical significance of this alteration remains unclear.

Labcorp Genetics (formerly Invitae), Labcorp
Classification: Uncertain significance. Last evaluated: 2024-10-06. Review status: criteria provided, single submitter. Criteria: Invitae Variant Classification Sherloc (09022015). Collection method: clinical testing. Allele origin: germline.
Comment: This sequence change replaces glycine, which is neutral and non-polar, with arginine, which is basic and polar, at codon 51 of the COL9A2 protein (p.Gly51Arg). This variant is present in population databases (no rsID available, gnomAD 0.0009%). This variant has not been reported in the literature in individuals affected with COL9A2-related conditions. ClinVar contains an entry for this variant (Variation ID: 1370065). Experimental studies and prediction algorithms are not available or were not evaluated, and the functional significance of this variant is currently unknown. In summary, the available evidence is currently insufficient to determine the role of this variant in disease. Therefore, it has been classified as a Variant of Uncertain Significance.

NM_001852.4(COL9A2):c.151G>C (p.Gly51Arg)

Gene: COL9A2 (collagen type IX alpha 2 chain; minus strand). Cytogenetic location: 1p34.2.
Variant type: single nucleotide variant.
Coding change: c.151G>C on transcript NM_001852.4 (MANE Select); coding-DNA position 151, G replaced by C.
Protein change: p.Gly51Arg; replaces glycine 51 with arginine.
Molecular consequence: missense variant.
Genome position (GRCh38, 1-based): chr1:40,314,387, C>G on the plus strand (G>C on the coding strand, the complement: COL9A2 is on the minus strand). VCF-style: chr1-40314387-C-G. GRCh37 (hg19) VCF-style: chr1-40780059-C-G.
Other names: c.151G>C (NM_001852.3); short protein forms G51R.
Identifiers: ClinVar variation 1370065 (VCV001370065.11), dbSNP rs1296663925, ClinGen allele CA339858792.